The following is an entry in ClinVar:

NM_005422.4(TECTA):c.781A>G (p.Thr261Ala)

Genes: TBCEL-TECTA (TBCEL-TECTA readthrough; plus strand), TECTA (tectorin alpha; plus strand). Cytogenetic location: 11q23.3.
Variant type: single nucleotide variant.
Coding change: c.781A>G on transcript NM_005422.4 (MANE Select); coding-DNA position 781, A replaced by G.
Protein change: p.Thr261Ala; replaces threonine 261 with alanine.
Molecular consequence: missense variant.
Genome position (GRCh38, 1-based): chr11:121,113,709, A>G. VCF-style: chr11-121113709-A-G. GRCh37 (hg19) VCF-style: chr11-120984418-A-G.
Other names: c.1738A>G, p.Thr580Ala (NM_001378761.1); short protein forms T261A, T580A.
Identifiers: ClinVar variation 3350616 (VCV003350616.2).

ClinVar aggregate classification (germline): Uncertain significance. Review status: criteria provided, single submitter (1 of 4 stars). 2 submissions from 2 submitters: Uncertain significance (1). 1 of the submissions does not count toward it. Last evaluated 2025-09-01.

Conditions:
Inborn genetic diseases. Identifiers: MedGen C0950123, MeSH D030342.
TECTA-related disorder. Also called: TECTA-related condition.

gnomAD v4.1: 74 of 1,613,418 alleles (0.0046%); highest among the groups gnomAD compares: Non-Finnish European, 0.006%; no homozygotes.

Submissions (2):

Ambry Genetics
Classification: Uncertain significance for Inborn genetic diseases. Last evaluated: 2025-09-01. Review status: criteria provided, single submitter. Criteria: Ambry Variant Classification Scheme 2023. Collection method: clinical testing. Allele origin: germline.

PreventionGenetics, part of Exact Sciences
Classification: Uncertain significance for TECTA-related condition. Last evaluated: 2024-08-19. Review status: no assertion criteria provided. Collection method: clinical testing. Allele origin: germline. Not counted in ClinVar's aggregate classification.
Comment: The TECTA c.781A>G variant is predicted to result in the amino acid substitution p.Thr261Ala. To our knowledge, this variant has not been reported in the literature. This variant is reported in 0.0078% of alleles in individuals of European (Non-Finnish) descent in gnomAD. At this time, the clinical significance of this variant is uncertain due to the absence of conclusive functional and genetic evidence.